The following is an entry in ClinVar:

NM_014845.6(FIG4):c.1679T>C (p.Ile560Thr)

Gene: FIG4 (FIG4 phosphoinositide 5-phosphatase; plus strand). Cytogenetic location: 6q21.
Variant type: single nucleotide variant.
Coding change: c.1679T>C on transcript NM_014845.6 (MANE Select); coding-DNA position 1679, T replaced by C.
Protein change: p.Ile560Thr; replaces isoleucine 560 with threonine.
Molecular consequence: missense variant.
Genome position (GRCh38, 1-based): chr6:109,766,824, T>C. VCF-style: chr6-109766824-T-C. GRCh37 (hg19) VCF-style: chr6-110088027-T-C.
Other names: short protein forms I560T.
Identifiers: ClinVar variation 2057789 (VCV002057789.4), dbSNP rs2486185769, ClinGen allele CA365228665.

ClinVar aggregate classification (germline): Uncertain significance (1 of 4 stars; one submission).

Conditions:
Charcot-Marie-Tooth disease type 4. Also called: Charcot-Marie-Tooth, Type 4; Charcot-Marie-Tooth disease, type IV. Identifiers: Orphanet 64749, MedGen C4082197, MONDO:0018995.

Submission:

Labcorp Genetics (formerly Invitae), Labcorp
Classification: Uncertain significance for Charcot-Marie-Tooth disease type 4. Last evaluated: 2022-10-25. Review status: criteria provided, single submitter. Criteria: Invitae Variant Classification Sherloc (09022015). Collection method: clinical testing. Allele origin: germline.
Comment: In summary, the available evidence is currently insufficient to determine the role of this variant in disease. Therefore, it has been classified as a Variant of Uncertain Significance. Algorithms developed to predict the effect of missense changes on protein structure and function (SIFT, PolyPhen-2, Align-GVGD) all suggest that this variant is likely to be tolerated. This variant has not been reported in the literature in individuals affected with FIG4-related conditions. This variant is not present in population databases (gnomAD no frequency). This sequence change replaces isoleucine, which is neutral and non-polar, with threonine, which is neutral and polar, at codon 560 of the FIG4 protein (p.Ile560Thr).